The following is an entry in ClinVar:

NM_031885.5(BBS2):c.870C>T (p.Ala290=)

Gene: BBS2 (Bardet-Biedl syndrome 2; minus strand). Cytogenetic location: 16q13.
Variant type: single nucleotide variant.
Coding change: c.870C>T on transcript NM_031885.5 (MANE Select); coding-DNA position 870, C replaced by T.
Protein change: p.Ala290=; no amino-acid change (alanine 290 retained).
Molecular consequence: synonymous variant. On other transcripts: non-coding transcript variant (5).
Genome position (GRCh38, 1-based): chr16:56,502,743, G>A on the plus strand (C>T on the coding strand, the complement: BBS2 is on the minus strand). VCF-style: chr16-56502743-G-A. GRCh37 (hg19) VCF-style: chr16-56536655-G-A.
Other names: c.870C>T, p.Ala290= (NM_001377456.1).
Identifiers: ClinVar variation 698101 (VCV000698101.33), dbSNP rs750516217, ClinGen allele CA8065897.
Genomic context (GRCh38, chr16:56,502,743, plus strand): 5'-CACTGAGCAGCAGATTAACTGTATGTGGCCATCCATCCGGTAATCTCCCTCTACCACACC[G>A]GCAATTGCAGAAGAAAAATTGTCCTTAAAGATGACCTCCCCAGTTCGGTCACTTCGAGCA-3'
Protein context (NP_114091.4, residues 280-300): IFKDNFSSAI[Ala290=]GVVEGDYRMD

ClinVar aggregate classification (germline): Likely benign. Review status: criteria provided, multiple submitters, no conflicts (2 of 4 stars). 3 submissions from 3 submitters: Likely benign (3). Last evaluated 2026-01-19.

Conditions:
Bardet-Biedl syndrome (BBS). Identifiers: Orphanet 110, MedGen C0752166, MONDO:0015229.

Allele frequency attached by ClinVar (database versions not stated): gnomAD exomes 0.00003 and 0.00007; ExAC 0.00007; gnomAD 0.00008 and 0.00009; TOPMed 0.00008.
gnomAD v4.1: 54 of 1,613,872 alleles (0.0033%); highest among the groups gnomAD compares: East Asian, 0.022%; no homozygotes.

Submissions (3):

Labcorp Genetics (formerly Invitae), Labcorp
Classification: Likely benign for Bardet-Biedl syndrome. Last evaluated: 2026-01-19. Review status: criteria provided, single submitter. Criteria: Invitae Variant Classification Sherloc (09022015). Collection method: clinical testing. Allele origin: germline.

Blueprint Genetics
Classification: Likely benign. Last evaluated: 2024-11-15. Review status: criteria provided, single submitter. Criteria: ACMG Guidelines, 2015. Collection method: clinical testing. Allele origin: germline.

CeGaT Center for Human Genetics Tuebingen
Classification: Likely benign. Last evaluated: 2024-02-01. Review status: criteria provided, single submitter. Criteria: CeGaT Center For Human Genetics Tuebingen Variant Classification Criteria Version 2. Collection method: clinical testing. Allele origin: germline. Affected: yes. Observed: 1 variant allele.
Comment: BBS2: BP4, BP7